The following is an entry in ClinVar:

ClinVar aggregate classification (germline): Conflicting classifications of pathogenicity. Review status: criteria provided, conflicting classifications (1 of 4 stars). 3 submissions from 3 submitters: Uncertain significance (1); Likely benign (1). 1 of the submissions does not count toward it. Last evaluated 2025-01-15.

Conditions:
MATR3-related disorder. Also called: MATR3-related condition.
Amyotrophic lateral sclerosis type 21. Also called: VOCAL CORD AND PHARYNGEAL DYSFUNCTION WITH DISTAL MYOPATHY; MYOPATHY, DISTAL, 2. Identifiers: Orphanet 600, Orphanet 803, MedGen C3807521, MONDO:0011632, OMIM 606070.

Allele frequency attached by ClinVar (database versions not stated): gnomAD 0.00002; TOPMed 0.00002; ExAC 0.00003; gnomAD exomes 0.00003 and 0.00008.
gnomAD v4.1: 52 of 1,613,834 alleles (0.0032%); highest among the groups gnomAD compares: South Asian, 0.0011%; no homozygotes.

Submissions (3):

Labcorp Genetics (formerly Invitae), Labcorp
Classification: Likely benign for Amyotrophic lateral sclerosis type 21. Last evaluated: 2025-01-15. Review status: criteria provided, single submitter. Criteria: Invitae Variant Classification Sherloc (09022015). Collection method: clinical testing. Allele origin: germline.

Illumina Laboratory Services, Illumina
Classification: Uncertain significance for Amyotrophic lateral sclerosis type 21. Last evaluated: 2018-01-13. Review status: criteria provided, single submitter. Criteria: ICSL Variant Classification Criteria 13 December 2019. Collection method: clinical testing. Allele origin: germline.

PreventionGenetics, part of Exact Sciences
Classification: Likely benign for MATR3-related condition. Last evaluated: 2024-04-03. Review status: no assertion criteria provided. Collection method: clinical testing. Allele origin: germline. Not counted in ClinVar's aggregate classification.
Comment: This variant is classified as likely benign based on ACMG/AMP sequence variant interpretation guidelines (Richards et al. 2015 PMID: 25741868, with internal and published modifications).

NM_018834.6(MATR3):c.2114G>T (p.Ser705Ile)

Genes: MATR3 (matrin 3; plus strand), LOC126807526 (CDK7 strongly-dependent group 2 enhancer GRCh37_chr5:138657767-138658966; plus strand). Cytogenetic location: 5q31.2.
Variant type: single nucleotide variant.
Coding change: c.2114G>T on transcript NM_018834.6 (MANE Select); coding-DNA position 2114, G replaced by T.
Protein change: p.Ser705Ile; replaces serine 705 with isoleucine.
Molecular consequence: missense variant.
Genome position (GRCh38, 1-based): chr5:139,322,933, G>T. VCF-style: chr5-139322933-G-T. GRCh37 (hg19) VCF-style: chr5-138658622-G-T.
Other names: c.2114G>T, p.Ser705Ile (NM_001194954.2, NM_001194955.2, NM_199189.3); c.1250G>T, p.Ser417Ile (NM_001194956.2); c.1100G>T, p.Ser367Ile (NM_001282278.2); short protein forms S367I, S417I, S705I.
Identifiers: ClinVar variation 781861 (VCV000781861.14), dbSNP rs201970174, ClinGen allele CA3433300.
Genomic context (GRCh38, chr5:139,322,933, plus strand): 5'-GTGATGTGGCTTCTGATGGGAAAAAGGAACCATCAGATAAAGCTGTGAAAAAAGATGGAA[G>T]TGCTTCAGCAGCAGCAAAGAAAAAGCTTAAAAAGGTAAAGAAAGATACATTGATTTGTTT-3'
Protein context (NP_061322.2, residues 695-715): PSDKAVKKDG[Ser705Ile]ASAAAKKKLK